The following is an entry in ClinVar:

NM_000264.5(PTCH1):c.4150C>G (p.Pro1384Ala)

Gene: PTCH1 (patched 1; minus strand). Cytogenetic location: 9q22.32.
Variant type: single nucleotide variant.
Coding change: c.4150C>G on transcript NM_000264.5 (MANE Select); coding-DNA position 4150, C replaced by G.
Protein change: p.Pro1384Ala; replaces proline 1384 with alanine.
Molecular consequence: missense variant. On other transcripts: non-coding transcript variant (1).
Genome position (GRCh38, 1-based): chr9:95,447,106, G>C on the plus strand (C>G on the coding strand, the complement: PTCH1 is on the minus strand). VCF-style: chr9-95447106-G-C. GRCh37 (hg19) VCF-style: chr9-98209388-G-C.
Other names: c.3952C>G, p.Pro1318Ala (NM_001083602.3); c.4147C>G, p.Pro1383Ala (NM_001083603.3); c.3697C>G, p.Pro1233Ala (NM_001083604.3, NM_001083605.3, NM_001083606.3 and 1 more transcripts); c.3994C>G, p.Pro1332Ala (NM_001354918.2); short protein forms P1318A, P1383A, P1233A, P1332A, P1384A.
Identifiers: ClinVar variation 5027455 (VCV005027455.1).
Genomic context (GRCh38, chr9:95,447,106, plus strand): 5'-TCTCAGGGTAGCCTGGGCAGAGTCCCCCTCGGGGGTTCCGCCCAGGCCCAGGGACAGGCG[G>C]CGGGTGCACGGCGACAGTCACGGAGGCAGAAGCCGTCACAGTGGTGATGGGCTGGCAGTA-3'
Protein context (NP_000255.2, residues 1374-1394): SASVTVAVHP[Pro1384Ala]PVPGPGRNPR

ClinVar aggregate classification (germline): Uncertain significance (1 of 4 stars; one submission).

Conditions:
Hereditary cancer-predisposing syndrome. Also called: Neoplastic Syndromes, Hereditary; Tumor predisposition; Hereditary neoplastic syndrome; Hereditary Cancer Syndrome. Identifiers: Orphanet 140162, MedGen C0027672, MeSH D009386, MONDO:0015356.

gnomAD v4.1: 1 of 1,613,482 alleles (0.000062%); highest among the groups gnomAD compares: African/African-American, 0.0013%; no homozygotes.

Submission:

Ambry Genetics
Classification: Uncertain significance for Hereditary cancer-predisposing syndrome. Last evaluated: 2026-07-08. Review status: criteria provided, single submitter. Criteria: Ambry Variant Classification Scheme 2023. Collection method: clinical testing. Allele origin: germline.
Comment: The p.P1384A variant (also known as c.4150C>G), located in coding exon 23 of the PTCH1 gene, results from a C to G substitution at nucleotide position 4150. The proline at codon 1384 is replaced by alanine, an amino acid with highly similar properties. This amino acid position is conserved. In addition, this alteration is predicted to be tolerated by in silico analysis. Based on the available evidence, the clinical significance of this variant remains unclear.